The following is an entry in ClinVar:

NM_000059.4(BRCA2):c.3835A>G (p.Asn1279Asp)

Gene: BRCA2 (BRCA2 DNA repair associated; plus strand). Cytogenetic location: 13q13.1.
Variant type: single nucleotide variant.
Coding change: c.3835A>G on transcript NM_000059.4 (MANE Select); coding-DNA position 3835, A replaced by G.
Protein change: p.Asn1279Asp; replaces asparagine 1279 with aspartic acid.
Molecular consequence: missense variant.
Genome position (GRCh38, 1-based): chr13:32,338,190, A>G. VCF-style: chr13-32338190-A-G. GRCh37 (hg19) VCF-style: chr13-32912327-A-G.
Other names: 4063A>G; short protein forms N1279D.
Identifiers: ClinVar variation 51534 (VCV000051534.37), dbSNP rs80358626, ClinGen allele CA018891.

ClinVar aggregate classification (germline): Conflicting classifications of pathogenicity. Review status: criteria provided, conflicting classifications (1 of 4 stars). 15 submissions from 15 submitters: Uncertain significance (8); Likely benign (3). 4 of the submissions do not count toward it. Last evaluated 2025-12-28.

Conditions:
BRCA2-related cancer predisposition. Identifiers: MedGen CN377758, MONDO:0700269.
Breast-ovarian cancer, familial, susceptibility to, 2 (BROVCA2). Also called: BRCA2 Hereditary Breast and Ovarian Cancer. Identifiers: Orphanet 145, MedGen C2675520, MONDO:0012933, OMIM 612555. Disease mechanism: loss of function.
Fanconi anemia complementation group D1. Also called: BRCA2-Related Fanconi Anemia. Identifiers: Orphanet 319462, MedGen C1838457, MONDO:0011584, OMIM 605724.
Medulloblastoma (MDB). Also called: MEDULLOBLASTOMA PREDISPOSITION SYNDROME; Medulloblastoma, somatic. Identifiers: Orphanet 616, MedGen C0025149, MeSH D008527, MONDO:0007959, OMIM 155255, HP:0002885.
Pancreatic cancer, susceptibility to, 2. Identifiers: Orphanet 1333, MedGen C3150546, MONDO:0013235, OMIM 613347.
Glioma susceptibility 3 (GLM3). Also called: Glioblastoma 3. Identifiers: Orphanet 182067, Orphanet 360, MedGen C2751641, MONDO:0013093, OMIM 613029.
Wilms tumor 1 (WT1). Also called: Wilms tumor, somatic. Identifiers: Orphanet 654, MedGen CN033288, MONDO:0008679, OMIM 194070.
Familial cancer of breast. Also called: hereditary breast carcinoma; BREAST CANCER, FAMILIAL; Hereditary breast cancer. Identifiers: Orphanet 227535, MedGen C0346153, MONDO:0016419, OMIM 114480. Disease mechanism: loss of function.
Prostate cancer. Also called: Malignant tumor of prostate. Identifiers: Orphanet 1331, MedGen C0376358, MONDO:0008315, HP:0012125.
Hereditary cancer-predisposing syndrome. Also called: Hereditary Cancer Syndrome; Neoplastic Syndromes, Hereditary; Hereditary neoplastic syndrome; Tumor predisposition. Identifiers: Orphanet 140162, MedGen C0027672, MeSH D009386, MONDO:0015356.
Hereditary breast ovarian cancer syndrome. Also called: Hereditary breast and ovarian cancer syndrome; Breast and ovarian cancer; Hereditary breast and ovarian cancer syndrome (HBOC); BRCA1- and BRCA2-Associated Hereditary Breast and Ovarian Cancer; Hereditary breast and/or ovarian cancer syndrome; Hereditary breast and ovarian cancer. Identifiers: Orphanet 145, MedGen C0677776, MeSH D061325, MONDO:0003582. Disease mechanism: loss of function.
Malignant tumor of breast. Also called: Malignant breast neoplasm; Cancer breast. Identifiers: MedGen C0006142, MONDO:0007254. Disease mechanism: loss of function.

Allele frequency attached by ClinVar (database versions not stated): gnomAD 0.00002; ExAC 0.00002; TOPMed 0.00001; gnomAD exomes 0.00001.
gnomAD v4.1: 22 of 1,565,110 alleles (0.0014%); highest among the groups gnomAD compares: Non-Finnish European, 0.0016%; no homozygotes.

Submissions 1 to 10 of 15:

Labcorp Genetics (formerly Invitae), Labcorp
Classification: Likely benign for Hereditary breast ovarian cancer syndrome. Last evaluated: 2025-12-28. Review status: criteria provided, single submitter. Criteria: Invitae Variant Classification Sherloc (09022015). Collection method: clinical testing. Allele origin: germline.

Ambry Genetics
Classification: Likely benign for Hereditary cancer-predisposing syndrome. Last evaluated: 2025-12-08. Review status: criteria provided, single submitter. Criteria: Ambry Variant Classification Scheme 2023. Collection method: clinical testing. Allele origin: germline.

Institute for Biomarker Research, Medical Diagnostic Laboratories, L.L.C.
Classification: Uncertain significance for Hereditary breast ovarian cancer syndrome. Last evaluated: 2025-08-04. Review status: criteria provided, single submitter. Criteria: ACMG Guidelines, 2015. Collection method: clinical testing. Allele origin: germline.
Comment: The missense variant NM_000059.4(BRCA2):c.3835A>G (p.Asn1279Asp) has not been reported previously as a pathogenic variant, to our knowledge. There is a small physicochemical difference between asparagine and aspartic acid, which is not likely to impact secondary protein structure as these residues share similar properties. The gene BRCA2 has a low rate of benign missense variation as indicated by a high missense variants Z-Score of 1.00. The p.Asn1279Asp variant is not predicted to introduce a novel splice site by any splice site algorithm. The p.Asn1279Asp missense variant is predicted to be tolerated by both SIFT or PolyPhen2. The nucleotide c.3835 in BRCA2 is not conserved according to a GERP++ and PhyloP analysis of 100 vertebrates. For these reasons, this variant has been classified as Uncertain Significance.

Quest Diagnostics Nichols Institute San Juan Capistrano
Classification: Uncertain significance. Last evaluated: 2025-03-08. Review status: criteria provided, single submitter. Criteria: Quest Diagnostics criteria. Collection method: clinical testing. Allele origin: unknown.
Comment: The BRCA2 c.3835A>G (p.Asn1279Asp) variant has been reported in an individual with breast cancer (PMID: 35264596 (2022)). This variant is also reported to be located in a region of the BRCA2 gene that tolerant to missense sequence changes (PMID: 31911673 (2020)). The frequency of this variant in the general population (Genome Aggregation Database) is uninformative in the assessment of its pathogenicity. Analysis of this variant using bioinformatics tools for the prediction of the effect of amino acid changes on protein structure and function yielded predictions that this variant is benign. Based on the available information, we are unable to determine the clinical significance of this variant.

All of Us Research Program, National Institutes of Health
Classification: Uncertain significance for BRCA2-related cancer predisposition. Last evaluated: 2024-07-29. Review status: criteria provided, single submitter. Criteria: ACMG Guidelines, 2015. Collection method: clinical testing. Allele origin: germline. Inheritance: Autosomal dominant inheritance. Observed: 2 variant alleles, 2 heterozygotes.
Comment: This missense variant replaces asparagine with aspartic acid at codon 1279 of the BRCA2 protein. Computational prediction suggests that this variant may not impact protein structure and function. To our knowledge, functional studies have not been reported for this variant. This variant has been reported in an individual affected with breast cancer (PMID: 35264596). This variant has been identified in 4/247244 chromosomes in the general population by the Genome Aggregation Database (gnomAD). The available evidence is insufficient to determine the role of this variant in disease conclusively. Therefore, this variant is classified as a Variant of Uncertain Significance.

This study involves interpretation of variants in research participants for the purpose of population health screening. Participant phenotype was not available at the time of variant classification. Additional details can be found in publication PMID: 35346344, PMCID: PMC8962531

Color Diagnostics, LLC DBA Color Health
Classification: Uncertain significance for Hereditary cancer-predisposing syndrome. Last evaluated: 2024-06-26. Review status: criteria provided, single submitter. Criteria: ACMG Guidelines, 2015. Collection method: clinical testing. Allele origin: germline.
Comment: This missense variant replaces asparagine with aspartic acid at codon 1279 of the BRCA2 protein. Computational prediction suggests that this variant may not impact protein structure and function. To our knowledge, functional studies have not been reported for this variant. This variant has been reported in an individual affected with breast cancer (PMID: 35264596). This variant has been identified in 4/247244 chromosomes in the general population by the Genome Aggregation Database (gnomAD). The available evidence is insufficient to determine the role of this variant in disease conclusively. Therefore, this variant is classified as a Variant of Uncertain Significance.

GeneDx
Classification: Uncertain significance. Last evaluated: 2024-02-07. Review status: criteria provided, single submitter. Criteria: GeneDx Variant Classification Process June 2021. Collection method: clinical testing. Allele origin: germline. Affected: yes.
Comment: Not observed at significant frequency in large population cohorts (gnomAD); In silico analysis supports that this missense variant has a deleterious effect on protein structure/function; Observed in individual(s) with breast cancer (PMID: 35264596); Also known as 4063A>G; This variant is associated with the following publications: (PMID: 10923033, 25877891, 31853058, 29884841, 32377563, 35264596)

University of Washington Department of Laboratory Medicine, University of Washington
Classification: Likely benign for Hereditary cancer-predisposing syndrome. Last evaluated: 2023-03-23. Review status: criteria provided, single submitter. Criteria: Dines et al. (Genet Med. 2020). Collection method: curation. Allele origin: germline.
Comment: Missense variant in a coldspot region where missense variants are very unlikely to be pathogenic (PMID:31911673).

BRCA2 exon 11 coldspot. Reclassification based on statistical prior probability.

Women's Health and Genetics/Laboratory Corporation of America, LabCorp
Classification: Uncertain significance. Last evaluated: 2021-07-01. Review status: criteria provided, single submitter. Criteria: LabCorp Variant Classification Summary - May 2015. Collection method: clinical testing. Allele origin: germline.
Comment: Variant summary: BRCA2 c.3835A>G (p.Asn1279Asp) results in a conservative amino acid change in the encoded protein sequence. Four of five in-silico tools predict a benign effect of the variant on protein function. The variant allele was found at a frequency of 1.4e-05 in 215842 control chromosomes. The available data on variant occurrences in the general population are insufficient to allow any conclusion about variant significance. To our knowledge, no occurrence of c.3835A>G in individuals affected with Hereditary Breast And Ovarian Cancer Syndrome and no experimental evidence demonstrating its impact on protein function have been reported in the literature. The variant has been reported in one individual in the Breast Cancer Information Core (BIC) database and in one individual diagnosed with brain cancer (Jones_2015). Nine ClinVar submitters (evaluation after 2014) have cited the variant as uncertain significance. Based on the evidence outlined above, the variant was classified as uncertain significance.

Mendelics
Classification: Uncertain significance for Breast-ovarian cancer, familial, susceptibility to, 2. Last evaluated: 2019-05-28. Review status: criteria provided, single submitter. Criteria: Mendelics Assertion Criteria 2017. Collection method: clinical testing. Allele origin: unknown.